The following is an entry in ClinVar:

ClinVar aggregate classification (germline): Likely benign (1 of 4 stars; one submission).

Allele frequency attached by ClinVar (database versions not stated): gnomAD 0.00001; ExAC 0.00001.
gnomAD v4.1: 1 of 1,208,803 alleles (0.000083%); highest among the groups gnomAD compares: Non-Finnish European, 0.00011%; no homozygotes.

Submission:

CeGaT Center for Human Genetics Tuebingen
Classification: Likely benign. Last evaluated: 2024-12-01. Review status: criteria provided, single submitter. Criteria: CeGaT Center For Human Genetics Tuebingen Variant Classification Criteria Version 2. Collection method: clinical testing. Allele origin: germline. Affected: yes. Observed: 2 variant alleles.
Comment: SRPX2: BP4, BP7

NM_014467.3(SRPX2):c.585G>A (p.Glu195=)

Gene: SRPX2 (sushi repeat containing protein X-linked 2; plus strand). Cytogenetic location: Xq22.1.
Variant type: single nucleotide variant.
Coding change: c.585G>A on transcript NM_014467.3 (MANE Select); coding-DNA position 585, G replaced by A.
Protein change: p.Glu195=; no amino-acid change (glutamic acid 195 retained).
Molecular consequence: synonymous variant.
Genome position (GRCh38, 1-based): chrX:100,665,295, G>A. VCF-style: chrX-100665295-G-A. GRCh37 (hg19) VCF-style: chrX-99920292-G-A.
Identifiers: ClinVar variation 2661036 (VCV002661036.24), dbSNP rs760871060, ClinGen allele CA10469534.
Genomic context (GRCh38, chrX:100,665,295, plus strand): 5'-CTTGGCAGACATAGATCCCCCCAAGATCCGCTGTCCCCACTCACGTGAGAAGATGGCAGA[G>A]CCAGAGAAATTGACTGCTCGAGTATACTGGGACCCACCGTTGGTGAAAGATTCTGCTGAT-3'
Protein context (NP_055282.1, residues 185-205): RCPHSREKMA[Glu195=]PEKLTARVYW